The following is an entry in ClinVar:

NM_005751.5(AKAP9):c.141_143delinsCGG (p.Asp48Gly)

Gene: AKAP9 (A-kinase anchoring protein 9; plus strand). Cytogenetic location: 7q21.2.
Variant type: Indel.
Coding change: c.141_143delinsCGG on transcript NM_005751.5 (MANE Select); coding-DNA positions 141 to 143, TGA replaced by CGG.
Protein change: p.Asp48Gly; replaces aspartic acid 48 with glycine.
Molecular consequence: missense variant.
Genome position (GRCh38, 1-based): chr7:91,973,803-91,973,805, TGA replaced by CGG. VCF-style: chr7-91973803-TGA-CGG. GRCh37 (hg19) VCF-style: chr7-91603117-TGA-CGG.
Other names: c.141_143delinsCGG, p.Asp48Gly (NM_147185.3); short protein forms D48G.
Identifiers: ClinVar variation 2564447 (VCV002564447.2), dbSNP rs2484598762, ClinGen allele CA2580615911.
Genomic context (GRCh38, chr7:91,973,803, plus strand): 5'-GGATGGGCAGAGTCCTTCCAAGAAGCAGAAAAAAAAGAGAAAAACGTCAAGCAGTAAACA[TGA>CGG]TGTGTCAGCACACCATGATTTGAATATTGATCAATCACAGTGTAATGAAATGTACATAAA-3'
Protein context (NP_005742.4, residues 38-58): KKRKTSSSKH[Asp48Gly]VSAHHDLNID

ClinVar aggregate classification (germline): Uncertain significance (1 of 4 stars; one submission).

Conditions:
Cardiovascular phenotype. Identifiers: MedGen CN230736.

Submission:

Ambry Genetics
Classification: Uncertain significance for Cardiovascular phenotype. Last evaluated: 2023-03-29. Review status: criteria provided, single submitter. Criteria: Ambry Variant Classification Scheme 2023. Collection method: clinical testing. Allele origin: germline.
Comment: The c.141_143delTGAinsCGG variant (also known as p.D48G), located in coding exon 2 of the AKAP9 gene, results from an in-frame deletion of TGA and insertion of CGG at nucleotide positions 141 to 143. This results in the substitution of the aspartic acid residue for a glycine residue at codon 48, an amino acid with similar properties. This amino acid position is well conserved in available vertebrate species. In addition, the in silico prediction for this alteration is inconclusive (Choi Y et al. PLoS ONE. 2012; 7(10):e46688). The evidence for this gene-disease relationship is limited; therefore, the clinical significance of this alteration is unclear.